The following is an entry in ClinVar:

ClinVar aggregate classification (germline): Uncertain significance. Review status: criteria provided, single submitter (1 of 4 stars). 2 submissions from 2 submitters: Uncertain significance (1). 1 of the submissions does not count toward it. Last evaluated 2024-12-04.

Conditions:
Hereditary breast ovarian cancer syndrome. Also called: Hereditary breast and ovarian cancer syndrome; Hereditary breast and ovarian cancer; Hereditary breast and ovarian cancer syndrome (HBOC); Breast and ovarian cancer; Hereditary breast and/or ovarian cancer syndrome; BRCA1- and BRCA2-Associated Hereditary Breast and Ovarian Cancer. Identifiers: Orphanet 145, MedGen C0677776, MeSH D061325, MONDO:0003582. Disease mechanism: loss of function.
Breast-ovarian cancer, familial, susceptibility to, 2 (BROVCA2). Also called: BRCA2 Hereditary Breast and Ovarian Cancer. Identifiers: Orphanet 145, MedGen C2675520, MONDO:0012933, OMIM 612555. Disease mechanism: loss of function.

Submissions (2):

Labcorp Genetics (formerly Invitae), Labcorp
Classification: Uncertain significance for Hereditary breast ovarian cancer syndrome. Last evaluated: 2024-12-04. Review status: criteria provided, single submitter. Criteria: Invitae Variant Classification Sherloc (09022015). Collection method: clinical testing. Allele origin: germline.
Comment: This sequence change replaces serine, which is neutral and polar, with cysteine, which is neutral and slightly polar, at codon 3020 of the BRCA2 protein (p.Ser3020Cys). This variant is not present in population databases (gnomAD no frequency). This missense change has been observed in individual(s) with breast cancer (PMID: 12491487). ClinVar contains an entry for this variant (Variation ID: 52736). Invitae Evidence Modeling incorporating data from in vitro experimental studies (PMID: 33609447) indicates that this missense variant is not expected to disrupt BRCA2 function with a negative predictive value of 95%. In summary, the available evidence is currently insufficient to determine the role of this variant in disease. Therefore, it has been classified as a Variant of Uncertain Significance.

Breast Cancer Information Core (BIC) (BRCA2)
Classification: Uncertain significance for Breast-ovarian cancer, familial 2. Review status: no assertion criteria provided. Collection method: clinical testing. Allele origin: germline. Affected: yes. Observed: 1 variant allele. Not counted in ClinVar's aggregate classification.

Literature cited by the submitters: PubMed 12491487 (cited by Labcorp Genetics (formerly Invitae), Labcorp); PubMed 33609447 (cited by Labcorp Genetics (formerly Invitae), Labcorp).

NM_000059.4(BRCA2):c.9059C>G (p.Ser3020Cys)

Gene: BRCA2 (BRCA2 DNA repair associated; plus strand). Cytogenetic location: 13q13.1.
Variant type: single nucleotide variant.
Coding change: c.9059C>G on transcript NM_000059.4 (MANE Select); coding-DNA position 9059, C replaced by G.
Protein change: p.Ser3020Cys; replaces serine 3020 with cysteine.
Molecular consequence: missense variant.
Genome position (GRCh38, 1-based): chr13:32,379,855, C>G. VCF-style: chr13-32379855-C-G. GRCh37 (hg19) VCF-style: chr13-32953992-C-G.
Other names: short protein forms S3020C.
Identifiers: ClinVar variation 52736 (VCV000052736.4), dbSNP rs80359157, ClinGen allele CA025949.